The following is an entry in ClinVar:

ClinVar aggregate classification (germline): Uncertain significance (1 of 4 stars; one submission).

Conditions:
Inborn genetic diseases. Identifiers: MedGen C0950123, MeSH D030342.

Submission:

Ambry Genetics
Classification: Uncertain significance for Inborn genetic diseases. Last evaluated: 2024-09-30. Review status: criteria provided, single submitter. Criteria: Ambry Variant Classification Scheme 2023. Collection method: clinical testing. Allele origin: germline.
Comment: The p.M465L variant (also known as c.1393A>T), located in coding exon 12 of the LRRK2 gene, results from an A to T substitution at nucleotide position 1393. The methionine at codon 465 is replaced by leucine, an amino acid with highly similar properties. This amino acid position is conserved. In addition, this alteration is predicted to be tolerated by in silico analysis. Based on the available evidence, the clinical significance of this variant remains unclear.

NM_198578.4(LRRK2):c.1393A>T (p.Met465Leu)

Gene: LRRK2 (leucine rich repeat kinase 2; plus strand). Cytogenetic location: 12q12.
Variant type: single nucleotide variant.
Coding change: c.1393A>T on transcript NM_198578.4 (MANE Select); coding-DNA position 1393, A replaced by T.
Protein change: p.Met465Leu; replaces methionine 465 with leucine.
Molecular consequence: missense variant.
Genome position (GRCh38, 1-based): chr12:40,257,352, A>T. VCF-style: chr12-40257352-A-T. GRCh37 (hg19) VCF-style: chr12-40651154-A-T.
Other names: short protein forms M465L.
Identifiers: ClinVar variation 3540487 (VCV003540487.1).